The following is an entry in ClinVar:

NM_000530.8(MPZ):c.178G>C (p.Asp60His)

Gene: MPZ (myelin protein zero; minus strand). Cytogenetic location: 1q23.3.
Variant type: single nucleotide variant.
Coding change: c.178G>C on transcript NM_000530.8 (MANE Select); coding-DNA position 178, G replaced by C.
Protein change: p.Asp60His; replaces aspartic acid 60 with histidine.
Molecular consequence: missense variant.
Genome position (GRCh38, 1-based): chr1:161,307,314, C>G on the plus strand (G>C on the coding strand, the complement: MPZ is on the minus strand). VCF-style: chr1-161307314-C-G. GRCh37 (hg19) VCF-style: chr1-161277104-C-G.
Other names: c.178G>C, p.Asp60His (NM_001315491.2, LRG_256t1); short protein forms D60H.
Identifiers: ClinVar variation 14193 (VCV000014193.6), dbSNP rs121913604, ClinGen allele CA257168.
Genomic context (GRCh38, chr1:161,307,314, plus strand): 5'-TCACCGAAATGGCATCTCTGCCCCCTTCGGGCTGGTAGCGCCAGGTGAAGGAGATGTCAT[C>G]TGAGACCCACTCACTGGACCAGAAGGAGCAGTGCAGGGTCACCCGGGAGCCCACAGCACC-3'
Protein context (NP_000521.2, residues 50-70): CSFWSSEWVS[Asp60His]DISFTWRYQP

ClinVar aggregate classification (germline): Conflicting classifications of pathogenicity. Review status: criteria provided, conflicting classifications (1 of 4 stars). 3 submissions from 3 submitters: Likely pathogenic (1); Uncertain significance (1). 1 of the submissions does not count toward it. Last evaluated 2025-05-14.

Conditions:
Charcot-Marie-Tooth disease, type I (CMT1). Also called: Charcot-Marie-Tooth, Type 1; Charcot-Marie-Tooth disease type 1. Identifiers: Orphanet 65753, MedGen C0751036, MONDO:0019011.
Charcot-Marie-Tooth disease type 2I (CMT2I). Also called: CHARCOT-MARIE-TOOTH DISEASE, AXONAL, TYPE 2I. Identifiers: Orphanet 99942, MedGen C3888087, MONDO:0011889, OMIM 607677.
Charcot-Marie-Tooth disease type 1B. Also called: Charcot-Marie-Tooth disease, type IB; Charcot-Marie-Tooth disease, demyelinating, type 1b; Hereditary motor and sensory neuropathy 1B; CHARCOT-MARIE-TOOTH DISEASE, AUTOSOMAL DOMINANT, WITH FOCALLY FOLDED MYELIN SHEATHS, TYPE 1B; CHARCOT-MARIE-TOOTH DISEASE, SLOW NERVE CONDUCTION TYPE, LINKED TO DUFFY; CHARCOT-MARIE-TOOTH NEUROPATHY, TYPE 1B. Identifiers: Orphanet 101082, MedGen C0270912, MONDO:0007307, OMIM 118200.

Submissions (3):

Labcorp Genetics (formerly Invitae), Labcorp
Classification: Uncertain significance for Charcot-Marie-Tooth disease, type I. Last evaluated: 2025-05-14. Review status: criteria provided, single submitter. Criteria: Invitae Variant Classification Sherloc (09022015). Collection method: clinical testing. Allele origin: germline.
Comment: This sequence change replaces aspartic acid, which is acidic and polar, with histidine, which is basic and polar, at codon 60 of the MPZ protein (p.Asp60His). This variant is not present in population databases (gnomAD no frequency). This missense change has been observed in individual(s) with Charcot-Marie-Tooth disease (PMID: 14638973). It has also been observed to segregate with disease in related individuals. This variant is also known as N60H. ClinVar contains an entry for this variant (Variation ID: 14193). Invitae Evidence Modeling of protein sequence and biophysical properties (such as structural, functional, and spatial information, amino acid conservation, physicochemical variation, residue mobility, and thermodynamic stability) indicates that this missense variant is not expected to disrupt MPZ protein function with a negative predictive value of 80%. In summary, the available evidence is currently insufficient to determine the role of this variant in disease. Therefore, it has been classified as a Variant of Uncertain Significance.

Institute of Medical Genetics and Applied Genomics, University Hospital Tübingen
Classification: Likely pathogenic for Charcot-Marie-Tooth disease type 1B. Last evaluated: 2022-05-03. Review status: criteria provided, single submitter. Criteria: ACMG Guidelines, 2015. Collection method: clinical testing. Allele origin: germline. Inheritance: Autosomal dominant inheritance. Affected: yes.

OMIM
Classification: Pathogenic for CHARCOT-MARIE-TOOTH DISEASE, TYPE 2I. Last evaluated: 2004-07-13. Review status: no assertion criteria provided. Collection method: literature only. Allele origin: germline. Not counted in ClinVar's aggregate classification.

Literature cited by the submitters: PubMed 14638973 (cited by Labcorp Genetics (formerly Invitae), Labcorp and OMIM); PubMed 15249646 (cited by OMIM).